The following is an entry in ClinVar:

ClinVar aggregate classification (germline): Uncertain significance (1 of 4 stars; one submission).

Submission:

GeneDx
Classification: Uncertain significance. Last evaluated: 2023-11-03. Review status: criteria provided, single submitter. Criteria: GeneDx Variant Classification Process June 2021. Collection method: clinical testing. Allele origin: germline. Affected: yes.
Comment: Not observed at significant frequency in large population cohorts (gnomAD); Frameshift variant predicted to result in protein truncation or nonsense mediated decay in a gene or region of a gene for which loss of function is not a well-established mechanism of disease; Has not been previously published as pathogenic or benign to our knowledge

NM_001470.4(GABBR1):c.248_261del (p.Ala83fs)

Gene: GABBR1 (gamma-aminobutyric acid type B receptor subunit 1; minus strand). Cytogenetic location: 6p22.1.
Variant type: Deletion.
Coding change: c.248_261del on transcript NM_001470.4 (MANE Select); coding-DNA positions 248 to 261, 14 bases deleted (CCAACGGCTCCTGG).
Protein change: p.Ala83fs; shifts the reading frame from alanine 83.
Molecular consequence: frameshift variant. On other transcripts: 5 prime UTR variant (1).
Genome position (GRCh38, 1-based): chr6:29,631,424-29,631,437, CCAGGAGCCGTTGG deleted on the plus strand (CCAACGGCTCCTGG on the coding strand, the reverse complement: GABBR1 is on the minus strand); deleting any 14 consecutive bases within chr6:29,631,424-29,631,442 gives the same sequence; the c. name uses the placement nearest the transcript's 3' end. VCF-style (leftmost placement, unchanged base first): chr6-29631423-TCCAGGAGCCGTTGG-T. GRCh37 (hg19) VCF-style: chr6-29599200-TCCAGGAGCCGTTGG-T.
Other names: c.-220_-207del (NM_001319053.2); c.248_261del, p.Ala83fs (NM_021904.4); short protein forms A83fs.
Identifiers: ClinVar variation 3363854 (VCV003363854.1).